The following is an entry in ClinVar:

NM_004036.5(ADCY3):c.2880_2881CT[1] (p.Leu962fs)

Gene: ADCY3 (adenylate cyclase 3; minus strand). Cytogenetic location: 2p23.3.
Variant type: Microsatellite.
Coding change: c.2880_2881CT[1] on transcript NM_004036.5 (MANE Select).
Protein change: p.Leu962fs; shifts the reading frame from leucine 962.
Molecular consequence: frameshift variant. On other transcripts: intron variant (1).
Genome position: GRCh38 VCF-style: chr2-24823208-CAG-C. GRCh37 (hg19) VCF-style: chr2-25046077-CAG-C.
Other names: c.2883_2884CT[1], p.Leu963fs (NM_001320613.2); c.2946_2947CT[1], p.Leu984fs (NM_001377128.1); c.2742_2743CT[1], p.Leu916fs (NM_001377129.1); c.2157_2158CT[1], p.Leu721fs (NM_001377131.1); c.2880_2881CT[1], p.Leu962fs (NM_001377132.1); c.2332-580_2332-579del (NM_001377130.1); short protein forms L962fs, L721fs, L916fs, L963fs, L984fs.
Identifiers: ClinVar variation 4999129 (VCV004999129.1).

ClinVar aggregate classification (germline): Likely pathogenic (1 of 4 stars; one submission).

Conditions:
ADCY3-related disorder. Also called: ADCY3-related condition.

Submission:

PreventionGenetics, part of Exact Sciences
Classification: Likely pathogenic for ADCY3-related condition. Last evaluated: 2025-05-23. Review status: criteria provided, single submitter. Criteria: ACMG Guidelines, 2015. Collection method: clinical testing. Allele origin: germline.
Comment: The ADCY3 c.2885_2886delCT variant is predicted to result in a frameshift and premature protein termination (p.Leu963Profs*53). To our knowledge, this variant has not been reported in the literature or in a large population database (gnomAD), indicating this variant is rare. Frameshift variants in ADCY3 are expected to be pathogenic. This variant is interpreted as likely pathogenic.